The following is an entry in ClinVar:

NM_000092.5(COL4A4):c.4522+1G>T

Gene: COL4A4 (collagen type IV alpha 4 chain; minus strand). Cytogenetic location: 2q36.3.
Variant type: single nucleotide variant.
Coding change: c.4522+1G>T on transcript NM_000092.5 (MANE Select); the canonical splice donor site of the intron after coding-DNA position 4522, G replaced by T.
Molecular consequence: splice donor variant.
Genome position (GRCh38, 1-based): chr2:227,010,312, C>A on the plus strand (G>T on the coding strand, the complement: COL4A4 is on the minus strand). VCF-style: chr2-227010312-C-A. GRCh37 (hg19) VCF-style: chr2-227875028-C-A.
Identifiers: ClinVar variation 1066839 (VCV001066839.9), dbSNP rs2149743261, ClinGen allele CA350835960.

ClinVar aggregate classification (germline): Likely pathogenic (1 of 4 stars; one submission).

Submission:

Labcorp Genetics (formerly Invitae), Labcorp
Classification: Likely pathogenic. Last evaluated: 2020-03-03. Review status: criteria provided, single submitter. Criteria: Invitae Variant Classification Sherloc (09022015). Collection method: clinical testing. Allele origin: germline.
Comment: In summary, the currently available evidence indicates that the variant is pathogenic, but additional data are needed to prove that conclusively. Therefore, this variant has been classified as Likely Pathogenic. Donor and acceptor splice site variants typically lead to a loss of protein function (PMID: 16199547), and loss-of-function variants in COL4A4 are known to be pathogenic (PMID: 19129241, 21196518, 24052634, 24522496, 24854265, 25307543, 26809805, 27281700). Algorithms developed to predict the effect of sequence changes on RNA splicing suggest that this variant may disrupt the consensus splice site, but this prediction has not been confirmed by published transcriptional studies. This variant has been observed in individual(s) with Alport syndrome (Invitae). This variant is not present in population databases (ExAC no frequency). This sequence change affects a donor splice site in intron 46 of the COL4A4 gene. It is expected to disrupt RNA splicing and likely results in an absent or disrupted protein product.

Literature cited by the submitters: PubMed 16199547; PubMed 19129241; PubMed 21196518; PubMed 24052634; PubMed 24522496; PubMed 24854265; PubMed 25307543; PubMed 26809805; PubMed 27281700.